The following is an entry in ClinVar:

NM_022132.5(MCCC2):c.735dup (p.Val247fs)

Gene: MCCC2 (methylcrotonyl-CoA carboxylase subunit 2; plus strand). Cytogenetic location: 5q13.2.
Variant type: Duplication.
Coding change: c.735dup on transcript NM_022132.5 (MANE Select); coding-DNA position 735, one base duplicated (C; older notation c.735dupC).
Protein change: p.Val247fs; shifts the reading frame from valine 247.
Molecular consequence: frameshift variant. On other transcripts: intron variant (1).
Genome position (GRCh38, 1-based): chr5:71,626,750, C duplicated; the last of 6 consecutive C bases (chr5:71,626,745-71,626,750); duplicating any one gives the same sequence. VCF-style (leftmost placement, unchanged base first): chr5-71626744-A-AC. GRCh37 (hg19) VCF-style: chr5-70922571-A-AC.
Other names: c.625-5371dup (NM_001363147.1); c.735dupC (NM_022132.4); short protein forms V247fs.
Identifiers: ClinVar variation 582906 (VCV000582906.20), dbSNP rs770769655, ClinGen allele CA3297851.
Genomic context (GRCh38, chr5:71,626,744, plus strand): 5'-GCCTGCCATGGCTGATGAAAACATCATTGTACGCAAGCAGGGTACCATTTTCTTGGCAGG[A>AC]CCCCCCTTGGTAAGAACATAAGAACGTTGGTCGATGGAAATTAAGTATGCAGAACATAAA-3'

ClinVar aggregate classification (germline): Pathogenic/Likely pathogenic. Review status: criteria provided, multiple submitters, no conflicts (2 of 4 stars). 4 submissions from 4 submitters: Pathogenic (3); Likely pathogenic (1). Last evaluated 2024-10-04.

Conditions:
3-methylcrotonyl-CoA carboxylase 2 deficiency. Also called: METHYLCROTONYLGLYCINURIA, TYPE II; 3 alpha methylcrotonyl-CoA carboxylase 2 deficiency; 3 alpha methylcrotonylglycinuria 2; MCC 2 deficiency; Methylcrotonylglycinuria type 2. Identifiers: Orphanet 6, MedGen C1859499, MONDO:0008862, OMIM 210210.

Submissions (4):

Dubai Health Genomic Medicine Center, Dubai Health
Classification: Pathogenic for 3-Methylcrotonyl-CoA carboxylase 2 deficiency. Last evaluated: 2024-10-04. Review status: criteria provided, single submitter. Criteria: ACMG Guidelines, 2015. Collection method: research. Allele origin: germline. Affected: yes.
Comment: PVS1(strong),PM2,PM3 (strong)

Natera, Inc.
Classification: Pathogenic for 3-methylcrotonyl-CoA carboxylase 2 deficiency. Last evaluated: 2024-10-04. Review status: criteria provided, single submitter. Criteria: Natera Variant Classification Schema (03/2026). Collection method: clinical testing. Allele origin: germline.
Comment: The c.735dupC variant in MCCC2 is a frameshift variant predicted to shift the reading frame beginning at codon 247 and leads to a stop codon 2 codons downstream. This variant is expected to result in nonsense mediated decay, truncation, or a dysfunctional protein product. This variant is rare in the general population with a frequency below the threshold expected for the associated phenotype(s). This variant has been observed in one or more individuals affected with the associated recessive disease, as either homozygous or compound heterozygous with a second variant (PMID: 24516753). Given the available evidence, this variant is classified as Pathogenic.

Labcorp Genetics (formerly Invitae), Labcorp
Classification: Pathogenic for 3-methylcrotonyl-CoA carboxylase 2 deficiency. Last evaluated: 2022-10-17. Review status: criteria provided, single submitter. Criteria: Invitae Variant Classification Sherloc (09022015). Collection method: clinical testing. Allele origin: germline.
Comment: ClinVar contains an entry for this variant (Variation ID: 582906). This premature translational stop signal has been observed in individual(s) with 3 Methylcrotonyl-CoA carboxylase deficiency (PMID: 24516753). This variant is present in population databases (rs770769655, gnomAD 0.0009%). This sequence change creates a premature translational stop signal (p.Val247Glyfs*2) in the MCCC2 gene. It is expected to result in an absent or disrupted protein product. Loss-of-function variants in MCCC2 are known to be pathogenic (PMID: 11181649, 22642865). For these reasons, this variant has been classified as Pathogenic.

Juno Genomics, Hangzhou Juno Genomics, Inc
Classification: Likely pathogenic for 3-methylcrotonyl-CoA carboxylase 2 deficiency. Review status: criteria provided, single submitter. Criteria: ACMG Guidelines, 2015. Collection method: clinical testing. Allele origin: germline.
Comment: Null variant in a gene where loss of function (LOF) is a known mechanism of disease.;Absent from controls (or at extremely low frequency if recessive) in Genome Aggregation Database.

Literature cited by the submitters: PubMed 24516753 (cited by Natera, Inc. and Labcorp Genetics (formerly Invitae), Labcorp); PubMed 11181649 (cited by Labcorp Genetics (formerly Invitae), Labcorp); PubMed 22642865 (cited by Labcorp Genetics (formerly Invitae), Labcorp).